The following is an entry in ClinVar:

NM_003597.5(KLF11):c.522C>T (p.Ser174=)

Gene: KLF11 (KLF transcription factor 11; plus strand). Cytogenetic location: 2p25.1.
Variant type: single nucleotide variant.
Coding change: c.522C>T on transcript NM_003597.5 (MANE Select); coding-DNA position 522, C replaced by T.
Protein change: p.Ser174=; no amino-acid change (serine 174 retained).
Molecular consequence: synonymous variant.
Genome position (GRCh38, 1-based): chr2:10,047,859, C>T. VCF-style: chr2-10047859-C-T. GRCh37 (hg19) VCF-style: chr2-10187986-C-T.
Other names: c.471C>T, p.Ser157= (NM_001177716.2, NM_001177718.2).
Identifiers: ClinVar variation 2966825 (VCV002966825.10), dbSNP rs200997824, ClinGen allele CA1525532.

ClinVar aggregate classification (germline): Likely benign. Review status: criteria provided, multiple submitters, no conflicts (2 of 4 stars). 2 submissions from 2 submitters: Likely benign (2). Last evaluated 2025-09-01.

Allele frequency attached by ClinVar (database versions not stated): ExAC 0.00001; gnomAD 0.00002; 1000 Genomes Project 30x 0.00016; 1000 Genomes Project 0.00020.
gnomAD v4.1: 8 of 1,613,786 alleles (0.0005%); highest among the groups gnomAD compares: Admixed American, 0.005%; no homozygotes.

Submissions (2):

CeGaT Center for Human Genetics Tuebingen
Classification: Likely benign. Last evaluated: 2025-09-01. Review status: criteria provided, single submitter. Criteria: CeGaT Center For Human Genetics Tuebingen Variant Classification Criteria Version 2. Collection method: clinical testing. Allele origin: germline. Affected: yes. Observed: 1 variant allele.
Comment: KLF11: BP4, BP7

Labcorp Genetics (formerly Invitae), Labcorp
Classification: Likely benign. Last evaluated: 2023-08-23. Review status: criteria provided, single submitter. Criteria: Invitae Variant Classification Sherloc (09022015). Collection method: clinical testing. Allele origin: germline.